The following is an entry in ClinVar:

NM_001401501.2(MUC16):c.39134-7T>C

Gene: MUC16 (mucin 16, cell surface associated; minus strand). Cytogenetic location: 19p13.2.
Variant type: single nucleotide variant.
Coding change: c.39134-7T>C on transcript NM_001401501.2 (MANE Select); 7 bases into the intron before coding-DNA position 39134, T replaced by C.
Molecular consequence: intron variant.
Genome position (GRCh38, 1-based): chr19:8,900,044, A>G on the plus strand (T>C on the coding strand, the complement: MUC16 is on the minus strand). VCF-style: chr19-8900044-A-G. GRCh37 (hg19) VCF-style: chr19-9010720-A-G.
Other names: c.39560-7T>C (NM_001414686.1); c.39014-7T>C (NM_001414687.1); c.38948-7T>C (NM_024690.2).
Identifiers: ClinVar variation 3057098 (VCV003057098.2), dbSNP rs73005893, ClinGen allele CA9164287.

ClinVar aggregate classification (germline): Likely benign (0 of 4 stars; one submission).

Conditions:
MUC16-related disorder. Also called: MUC16-related condition.

Allele frequency attached by ClinVar (database versions not stated): gnomAD exomes 0.00036; ExAC 0.00098; 1000 Genomes Project 0.00220; gnomAD 0.00378; ESP Exome Variant Server 0.00404; 1000 Genomes Project 30x 0.03951.

Submission:

PreventionGenetics, part of Exact Sciences
Classification: Likely benign for MUC16-related condition. Last evaluated: 2019-10-17. Review status: no assertion criteria provided. Collection method: clinical testing. Allele origin: germline.
Comment: This variant is classified as likely benign based on ACMG/AMP sequence variant interpretation guidelines (Richards et al. 2015 PMID: 25741868, with internal and published modifications).